The following is an entry in ClinVar:

NM_004444.5(EPHB4):c.963C>T (p.Thr321=)

Gene: EPHB4 (EPH receptor B4; minus strand). Cytogenetic location: 7q22.1.
Variant type: single nucleotide variant.
Coding change: c.963C>T on transcript NM_004444.5 (MANE Select); coding-DNA position 963, C replaced by T.
Protein change: p.Thr321=; no amino-acid change (threonine 321 retained).
Molecular consequence: synonymous variant.
Genome position (GRCh38, 1-based): chr7:100,820,142, G>A on the plus strand (C>T on the coding strand, the complement: EPHB4 is on the minus strand). VCF-style: chr7-100820142-G-A. GRCh37 (hg19) VCF-style: chr7-100417764-G-A.
Identifiers: ClinVar variation 2097508 (VCV002097508.4), dbSNP rs2485037574, ClinGen allele CA456899408.

ClinVar aggregate classification (germline): Uncertain significance (1 of 4 stars; one submission).

Submission:

Labcorp Genetics (formerly Invitae), Labcorp
Classification: Uncertain significance. Last evaluated: 2022-02-21. Review status: criteria provided, single submitter. Criteria: Invitae Variant Classification Sherloc (09022015). Collection method: clinical testing. Allele origin: germline.
Comment: In summary, the available evidence is currently insufficient to determine the role of this variant in disease. Therefore, it has been classified as a Variant of Uncertain Significance. Algorithms developed to predict the effect of sequence changes on RNA splicing suggest that this variant is not likely to affect RNA splicing. This variant has not been reported in the literature in individuals affected with EPHB4-related conditions. This variant is not present in population databases (gnomAD no frequency). This sequence change affects codon 321 of the EPHB4 mRNA. It is a 'silent' change, meaning that it does not change the encoded amino acid sequence of the EPHB4 protein. It affects a nucleotide within the consensus splice site.